The following is an entry in ClinVar:

NM_000059.4(BRCA2):c.5867A>C (p.Asp1956Ala)

Gene: BRCA2 (BRCA2 DNA repair associated; plus strand). Cytogenetic location: 13q13.1.
Variant type: single nucleotide variant.
Coding change: c.5867A>C on transcript NM_000059.4 (MANE Select); coding-DNA position 5867, A replaced by C.
Protein change: p.Asp1956Ala; replaces aspartic acid 1956 with alanine.
Molecular consequence: missense variant. On other transcripts: non-coding transcript variant (1), intron variant (2).
Genome position (GRCh38, 1-based): chr13:32,340,222, A>C. VCF-style: chr13-32340222-A-C. GRCh37 (hg19) VCF-style: chr13-32914359-A-C.
Other names: c.5867A>C, p.Asp1956Ala (NM_001406719.1, NM_001406720.1); c.1910-4336A>C (NM_001406721.1); c.425-4336A>C (NM_001406722.1); short protein forms D1956A.
Identifiers: ClinVar variation 3261608 (VCV003261608.1).
Genomic context (GRCh38, chr13:32,340,222, plus strand): 5'-TGTCTGGATTGGAGAAAGTTTCTAAAATATCACCTTGTGATGTTAGTTTGGAAACTTCAG[A>C]TATATGTAAATGTAGTATAGGGAAGCTTCATAAGTCAGTCTCATCTGCAAATACTTGTGG-3'
Protein context (NP_000050.3, residues 1946-1966): SPCDVSLETS[Asp1956Ala]ICKCSIGKLH

ClinVar aggregate classification (germline): Uncertain significance (1 of 4 stars; one submission).

Conditions:
Hereditary cancer-predisposing syndrome. Also called: Hereditary Cancer Syndrome; Tumor predisposition; Hereditary neoplastic syndrome; Neoplastic Syndromes, Hereditary. Identifiers: Orphanet 140162, MedGen C0027672, MeSH D009386, MONDO:0015356.

Submission:

Ambry Genetics
Classification: Uncertain significance for Hereditary cancer-predisposing syndrome. Last evaluated: 2024-04-29. Review status: criteria provided, single submitter. Criteria: Ambry Variant Classification Scheme 2023. Collection method: clinical testing. Allele origin: germline.
Comment: The p.D1956A variant (also known as c.5867A>C), located in coding exon 10 of the BRCA2 gene, results from an A to C substitution at nucleotide position 5867. The aspartic acid at codon 1956 is replaced by alanine, an amino acid with dissimilar properties. This amino acid position is conserved. In addition, this alteration is predicted to be tolerated by in silico analysis. Based on the available evidence, the clinical significance of this variant remains unclear.